The following is an entry in ClinVar:

ClinVar aggregate classification (germline): Conflicting classifications of pathogenicity. Review status: criteria provided, conflicting classifications (1 of 4 stars). 21 submissions from 20 submitters: Uncertain significance (5); Benign (2); Likely benign (10). 4 of the submissions do not count toward it. Last evaluated 2026-02-04.

Conditions:
APC-related disorder. Also called: APC-related condition.
Colorectal cancer. Also called: Malignant Colorectal Neoplasm; Colorectal cancer, somatic. Identifiers: MedGen C0346629, MONDO:0005575, OMIM 114500.
Hereditary cancer-predisposing syndrome. Also called: Tumor predisposition; Hereditary neoplastic syndrome; Neoplastic Syndromes, Hereditary; Hereditary Cancer Syndrome. Identifiers: Orphanet 140162, MedGen C0027672, MeSH D009386, MONDO:0015356.
Familial multiple polyposis syndrome (FAP). Also called: Familial polyposis; Classic familial adenomatous polyposis; Familial adenomatous polyposis; Familial intestinal polyposis; Familial Adenomatous Polyposis (FAP). Identifiers: Orphanet 733, MedGen C0032580, MONDO:0021055. Disease mechanism: loss of function.
Familial adenomatous polyposis 1 (FAP1). Also called: FAMILIAL ADENOMATOUS POLYPOSIS 1, ATTENUATED; POLYPOSIS, ADENOMATOUS INTESTINAL. Identifiers: MedGen C2713442, MONDO:0021056, OMIM 175100. Disease mechanism: loss of function.
Carcinoma of colon (CRC). Also called: Colon carcinoma; Colonic carcinoma. Identifiers: MedGen C0699790, MONDO:0002032.

Allele frequency attached by ClinVar (database versions not stated): gnomAD 0.00006 and 0.00008; TOPMed 0.00008; gnomAD exomes 0.00010 and 0.00013; ExAC 0.00013; ESP Exome Variant Server 0.00015.
gnomAD v4.1: 179 of 1,613,952 alleles (0.011%); highest among the groups gnomAD compares: Middle Eastern, 0.13%; no homozygotes.

Submissions 1 to 17 of 21:

Labcorp Genetics (formerly Invitae), Labcorp
Classification: Benign for Familial adenomatous polyposis 1. Last evaluated: 2026-02-04. Review status: criteria provided, single submitter. Criteria: Invitae Variant Classification Sherloc (09022015). Collection method: clinical testing. Allele origin: germline.

CeGaT Center for Human Genetics Tuebingen
Classification: Likely benign. Last evaluated: 2026-02-01. Review status: criteria provided, single submitter. Criteria: CeGaT Center For Human Genetics Tuebingen Variant Classification Criteria Version 2. Collection method: clinical testing. Allele origin: germline. Affected: yes. Observed: 8 variant alleles.
Comment: APC: BP1, BP4

Dasa
Classification: Likely benign. Last evaluated: 2026-01-28. Review status: criteria provided, single submitter. Criteria: DASA Assertion Criteria. Collection method: clinical testing. Allele origin: germline.
Comment: NM_000038.6(APC):c.5026A>G (p.Arg1676Gly) is a missense variant that results in the substitution of arginine with glycine. Population frequency is inconsistent with a disease-causing role for this variant, and the variant context is inconsistent with a known disease-causing mechanism. Therefore, based on the currently available evidence, this variant is classified as likely benign.

Center for Genomic Medicine, Rigshospitalet, Copenhagen University Hospital
Classification: Likely benign. Last evaluated: 2025-12-29. Review status: criteria provided, single submitter. Criteria: ACMG Guidelines, 2015. Collection method: clinical testing. Allele origin: germline.
Comment: Classification criteria: BS1, BP1

Laboratory of Genetics, Children's Clinical University Hospital Latvia
Classification: Likely benign. Last evaluated: 2025-02-16. Review status: criteria provided, single submitter. Criteria: ACMG Guidelines, 2015. Collection method: clinical testing. Allele origin: germline. Affected: yes.

Women's Health and Genetics/Laboratory Corporation of America, LabCorp
Classification: Likely benign. Last evaluated: 2025-01-28. Review status: criteria provided, single submitter. Criteria: LabCorp Variant Classification Summary - May 2015. Collection method: clinical testing. Allele origin: germline.
Comment: Variant summary: APC c.5026A>G (p.Arg1676Gly) results in a non-conservative amino acid change in the encoded protein sequence. Four of five in-silico tools predict a benign effect of the variant on protein function. The variant allele was found at a frequency of 0.00013 in 253514 control chromosomes. The observed variant frequency is approximately 2-fold of the estimated maximal expected allele frequency for a pathogenic variant in APC causing Familial Adenomatous Polyposis phenotype (7.1e-05). c.5026A>G has been reported in the literature in individuals affected with Familial Adenomatous Polyposis, colorectal cancer, breast cancer and ALL (Azzopardi_2008, Kraus_2015, Yurgelun_2015, Zhang_2015, Tung_2016, Alanazi_2020, Guindalini_2022) but it was also detected in controls (e.g. Azzopardi_2008, Bodian_2014). These reports do not provide unequivocal conclusions about association of the variant with Familial Adenomatous Polyposis. At least one publication reports experimental evidence evaluating an impact on protein function, however, does not allow convincing conclusions about the variant effect (Azzopardi_2008). The following publications have been ascertained in the context of this evaluation (PMID: 32994724, 18199528, 24728327, 35264596, 25142776, 26976419, 25980754, 26580448). ClinVar contains an entry for this variant (Variation ID: 127302). Based on the evidence outlined above, the variant was classified as likely benign.

Blueprint Genetics
Classification: Likely benign. Last evaluated: 2024-11-20. Review status: criteria provided, single submitter. Criteria: ACMG Guidelines, 2015. Collection method: clinical testing. Allele origin: germline.

Color Diagnostics, LLC DBA Color Health
Classification: Likely benign for Hereditary cancer-predisposing syndrome. Last evaluated: 2024-09-20. Review status: criteria provided, single submitter. Criteria: ACMG Guidelines, 2015. Collection method: clinical testing. Allele origin: germline.

Institute for Biomarker Research, Medical Diagnostic Laboratories, L.L.C.
Classification: Uncertain significance for Hereditary cancer-predisposing syndrome. Last evaluated: 2023-10-24. Review status: criteria provided, single submitter. Criteria: ACMG Guidelines, 2015. Collection method: clinical testing. Allele origin: germline.

Mendelics
Classification: Benign for Familial adenomatous polyposis 1. Last evaluated: 2023-08-22. Review status: criteria provided, single submitter. Criteria: Mendelics Assertion Criteria 2019. Collection method: clinical testing. Allele origin: germline.

Sema4
Classification: Likely benign for Hereditary cancer-predisposing syndrome. Last evaluated: 2021-04-11. Review status: criteria provided, single submitter. Criteria: Sema4 Curation Guidelines. Collection method: curation. Allele origin: germline.

GeneDx
Classification: Likely benign. Last evaluated: 2020-11-25. Review status: criteria provided, single submitter. Criteria: GeneDx Variant Classification Process June 2021. Collection method: clinical testing. Allele origin: germline. Affected: yes.
Comment: This variant is associated with the following publications: (PMID: 21859464, 18199528, 24055113, 24728327, 25637381, 25142776, 25980754, 26976419, 27050224, 28805986, 27882345, 28873162)

Genetic Services Laboratory, University of Chicago
Classification: Uncertain significance. Last evaluated: 2020-04-16. Review status: criteria provided, single submitter. Criteria: ACMG Guidelines, 2015. Collection method: clinical testing. Allele origin: germline. Affected: no.
Comment: DNA sequence analysis of the APC gene demonstrated a sequence change, c.5026A>G, in exon 16 that results in an amino acid change, p.Arg1676Gly. This sequence change has been described in the gnomAD database with a frequency of 0.087% in the Ashkenazi Jewish sub-population (dbSNP rs370560998). The p.Arg1676Gly change has previously been reported, in addition to another heterozygous APC sequence change c.7399C>A (p.Pro2467Thr), in an individual with FAP (PMID: 18199528). Functional studies demonstrated impaired ability to suppress beta-catenin-regulated transcription in the presence of this sequence change (PMID: 18199528). The p.Arg1676Gly change affects a moderately conserved amino acid residue located in a domain of the APC protein that is not known to be functional. The p.Arg1676Gly substitution appears to be benign using several in-silico pathogenicity prediction tools (SIFT, PolyPhen2, Align GVGD, REVEL). Due to these contrasting evidences, the clinical significance of the p.Arg1676Gly change remains unknown at this time.

Ambry Genetics
Classification: Likely benign for Hereditary cancer-predisposing syndrome. Last evaluated: 2018-06-26. Review status: criteria provided, single submitter. Criteria: Ambry Variant Classification Scheme 2023. Collection method: clinical testing. Allele origin: germline.

CSER _CC_NCGL, University of Washington
Classification: Uncertain significance for Colorectal cancer. Last evaluated: 2016-06-01. Review status: criteria provided, single submitter. Criteria: Amendola et al. (Genome Res. 2015). Collection method: research. Allele origin: germline. Affected: yes. Study: CSER - NEXT Medicine variant annotation.
Comment: This interpretation considers GERP score and allele frequency data, in addition to published reports of the variant in the literature, available at the time of review.

Genomic Diagnostic Laboratory, Division of Genomic Diagnostics, Children's Hospital of Philadelphia
Classification: Uncertain significance. Last evaluated: 2015-06-19. Review status: criteria provided, single submitter. Criteria: DGD Variant Analysis Guidelines. Collection method: clinical testing. Allele origin: unknown.

CSER _CC_NCGL, University of Washington
Classification: Uncertain significance for Adenomatous polyposis coli. Last evaluated: 2014-06-01. Review status: criteria provided, single submitter. Criteria: Amendola et al. (Genome Res. 2015). Collection method: research. Allele origin: germline. Inheritance: Autosomal dominant inheritance. Study: ESP 6500 variant annotation.
Comment: Low GERP score may suggest that this variant belongs in a lower pathogenicity class

Variants classified for the Actionable exomic incidental findings in 6503 participants: challenges of variant classification manuscript

NM_000038.6(APC):c.5026A>G (p.Arg1676Gly)

Gene: APC (APC regulator of Wnt signaling pathway; plus strand). Cytogenetic location: 5q22.2.
Variant type: single nucleotide variant.
Coding change: c.5026A>G on transcript NM_000038.6 (MANE Select); coding-DNA position 5026, A replaced by G.
Protein change: p.Arg1676Gly; replaces arginine 1676 with glycine.
Molecular consequence: missense variant.
Genome position (GRCh38, 1-based): chr5:112,840,620, A>G. VCF-style: chr5-112840620-A-G. GRCh37 (hg19) VCF-style: chr5-112176317-A-G.
Other names: p.R1676G:AGA>GGA; c.5026A>G, p.Arg1676Gly (NM_001127510.3, NM_001354895.2); c.4972A>G, p.Arg1658Gly (NM_001127511.3); c.5080A>G, p.Arg1694Gly (NM_001354896.2); c.5056A>G, p.Arg1686Gly (NM_001354897.2); c.4951A>G, p.Arg1651Gly (NM_001354898.2); c.4942A>G, p.Arg1648Gly (NM_001354899.2); c.4903A>G, p.Arg1635Gly (NM_001354900.2); and 6 more; short protein forms R1676G, R1658G, R1694G, R1550G, R1575G, R1516G, R1651G, R1686G.
Identifiers: ClinVar variation 127302 (VCV000127302.75), dbSNP rs370560998, ClinGen allele CA009838.